The following is an entry in ClinVar:

NM_001083962.2(TCF4):c.263A>G (p.His88Arg)

Genes: TCF4 (transcription factor 4; minus strand), TCF4-AS1 (TCF4 antisense RNA 1; plus strand). Cytogenetic location: 18q21.2.
Variant type: single nucleotide variant.
Coding change: c.263A>G on transcript NM_001083962.2 (MANE Select); coding-DNA position 263, A replaced by G.
Protein change: p.His88Arg; replaces histidine 88 with arginine.
Molecular consequence: missense variant.
Genome position (GRCh38, 1-based): chr18:55,461,060, T>C on the plus strand (A>G on the coding strand, the complement: TCF4 is on the minus strand). VCF-style: chr18-55461060-T-C. GRCh37 (hg19) VCF-style: chr18-53128291-T-C.
Other names: c.569A>G, p.His190Arg (NM_001243226.3); c.191A>G, p.His64Arg (NM_001243227.2, NM_001306207.1, NM_001348217.1 and 15 more transcripts); c.263A>G, p.His88Arg (NM_001243228.2, NM_001330604.3, NM_001369567.1 and 8 more transcripts); c.257A>G, p.His86Arg (NM_001243230.2); c.137A>G, p.His46Arg (NM_001243231.2, NM_001348211.2); short protein forms H88R, H46R, H64R, H190R, H86R.
Identifiers: ClinVar variation 2996306 (VCV002996306.4), dbSNP rs1327666670, ClinGen allele CA402703529.
Genomic context (GRCh38, chr18:55,461,060, plus strand): 5'-AATTTAAAATGGGTCTTACTTTGTATTCTGGAATTGACAAAAGGTGGAGAGAGATTGTCA[T>C]GTGACCCAAGGTCCCTGCTGGTCATGTGGTCATAGGGAGTCCCATCTCCATAGTTCTGTA-3'
Protein context (NP_001077431.1, residues 78-98): DHMTSRDLGS[His88Arg]DNLSPPFVNS

ClinVar aggregate classification (germline): Conflicting classifications of pathogenicity. Review status: criteria provided, conflicting classifications (1 of 4 stars). 2 submissions from 2 submitters: Uncertain significance (1); Likely benign (1). Last evaluated 2025-10-17.

Conditions:
Pitt-Hopkins syndrome (PTHS). Also called: ENCEPHALOPATHY, SEVERE EPILEPTIC, WITH AUTONOMIC DYSFUNCTION; MENTAL RETARDATION, SYNDROMAL, WITH INTERMITTENT HYPERVENTILATION. Identifiers: Orphanet 2896, MedGen C1970431, MONDO:0012589, OMIM 610954.

Allele frequency attached by ClinVar (database versions not stated): TOPMed below 0.00001.

Submissions (2):

Women's Health and Genetics/Laboratory Corporation of America, LabCorp
Classification: Uncertain significance. Last evaluated: 2025-10-17. Review status: criteria provided, single submitter. Criteria: LabCorp Variant Classification Summary - May 2015. Collection method: clinical testing. Allele origin: germline.
Comment: Variant summary: TCF4 c.263A>G (p.His88Arg) results in a non-conservative amino acid change in the encoded protein sequence. Algorithms developed to predict the effect of missense changes on protein structure and function are either unavailable or do not agree on the potential impact of this missense change. The variant was absent in 250772 control chromosomes. The available data on variant occurrences in the general population are insufficient to allow any conclusion about variant significance. To our knowledge, no occurrence of c.263A>G in individuals affected with TCF4-related conditions and no experimental evidence demonstrating its impact on protein function have been reported. ClinVar contains an entry for this variant (Variation ID: 2996306). Based on the evidence outlined above, the variant was classified as uncertain significance.

Labcorp Genetics (formerly Invitae), Labcorp
Classification: Likely benign for Pitt-Hopkins syndrome. Last evaluated: 2023-12-07. Review status: criteria provided, single submitter. Criteria: Invitae Variant Classification Sherloc (09022015). Collection method: clinical testing. Allele origin: germline.